The following is an entry in ClinVar:

NM_000179.3(MSH6):c.2270C>G (p.Thr757Ser)

Gene: MSH6 (mutS homolog 6; plus strand). Cytogenetic location: 2p16.3.
Variant type: single nucleotide variant.
Coding change: c.2270C>G on transcript NM_000179.3 (MANE Select); coding-DNA position 2270, C replaced by G.
Protein change: p.Thr757Ser; replaces threonine 757 with serine.
Molecular consequence: missense variant. On other transcripts: non-coding transcript variant (5), intron variant (2).
Genome position (GRCh38, 1-based): chr2:47,800,253, C>G. VCF-style: chr2-47800253-C-G. GRCh37 (hg19) VCF-style: chr2-48027392-C-G.
Other names: c.1880C>G, p.Thr627Ser (NM_001281492.2); c.1364C>G, p.Thr455Ser (NM_001281493.2, NM_001281494.2, NM_001406811.1 and 6 more transcripts); c.2366C>G, p.Thr789Ser (NM_001406795.1, NM_001406802.1); c.2270C>G, p.Thr757Ser (NM_001406796.1, NM_001406798.1, NM_001406800.1 and 3 more transcripts); c.1973C>G, p.Thr658Ser (NM_001406797.1, NM_001406801.1, NM_001406805.1 and 10 more transcripts); c.1745C>G, p.Thr582Ser (NM_001406799.1, NM_001406806.1, NM_001406807.1); c.2192C>G, p.Thr731Ser (NM_001406804.1); c.2102C>G, p.Thr701Ser (NM_001406826.1); and 3 more; short protein forms T627S, T658S, T701S, T759S, T582S, T455S, T731S, T757S.
Identifiers: ClinVar variation 4827453 (VCV004827453.1).

ClinVar aggregate classification (germline): Uncertain significance (1 of 4 stars; one submission).

Conditions:
Hereditary cancer-predisposing syndrome. Also called: Neoplastic Syndromes, Hereditary; Tumor predisposition; Hereditary Cancer Syndrome; Hereditary neoplastic syndrome. Identifiers: Orphanet 140162, MedGen C0027672, MeSH D009386, MONDO:0015356.

Submission:

Ambry Genetics
Classification: Uncertain significance for Hereditary cancer-predisposing syndrome. Last evaluated: 2026-03-06. Review status: criteria provided, single submitter. Criteria: Ambry Variant Classification Scheme 2023. Collection method: clinical testing. Allele origin: germline.
Comment: The p.T757S variant (also known as c.2270C>G), located in coding exon 4 of the MSH6 gene, results from a C to G substitution at nucleotide position 2270. The threonine at codon 757 is replaced by serine, an amino acid with similar properties. This amino acid position is conserved. In addition, this alteration is predicted to be deleterious by in silico analysis. Based on the available evidence, the clinical significance of this variant remains unclear.